The following is an entry in ClinVar:

ClinVar aggregate classification (germline): Uncertain significance (1 of 4 stars; one submission).

Submission:

Labcorp Genetics (formerly Invitae), Labcorp
Classification: Uncertain significance. Last evaluated: 2022-01-13. Review status: criteria provided, single submitter. Criteria: Invitae Variant Classification Sherloc (09022015). Collection method: clinical testing. Allele origin: germline.
Comment: A copy number gain of the genomic region encompassing the full coding sequence of the DRAM2 gene has been identified. The boundaries of this event are unknown as they extend beyond the assayed region for this gene and therefore may encompass additional genes. As the precise location of this event is unknown, it may be in tandem or it may be located elsewhere in the genome. This variant has not been reported in the literature in individuals affected with DRAM2-related conditions. Experimental studies and prediction algorithms are not available or were not evaluated, and the functional significance of this variant is currently unknown. In summary, the available evidence is currently insufficient to determine the role of this variant in disease. Therefore, it has been classified as a Variant of Uncertain Significance.

NC_000001.10:g.(?_111506243)_(111745058_?)dup

Genes: CEPT1 (choline/ethanolamine phosphotransferase 1; plus strand), DENND2D (DENN domain containing 2D; minus strand), DRAM2 (DNA damage regulated autophagy modulator 2; minus strand), LRIF1 (ligand dependent nuclear receptor interacting factor 1; minus strand). Cytogenetic location: 1p13.3.
Variant type: Duplication.
Identifiers: ClinVar variation 1012057 (VCV001012057.2).